The following is an entry in ClinVar:

ClinVar aggregate classification (germline): Likely benign. Review status: criteria provided, multiple submitters, no conflicts (2 of 4 stars). 2 submissions from 2 submitters: Likely benign (2). Last evaluated 2026-03-23.

Conditions:
PRPF8-related disorder. Also called: PRPF8-related condition.

Allele frequency attached by ClinVar (database versions not stated): TOPMed below 0.00001; gnomAD 0.00001; gnomAD exomes 0.00001 and 0.00002.
gnomAD v4.1: 28 of 1,614,004 alleles (0.0017%); highest among the groups gnomAD compares: Non-Finnish European, 0.0023%; no homozygotes.

Submissions (2):

PreventionGenetics, part of Exact Sciences
Classification: Likely benign for PRPF8-related condition. Last evaluated: 2026-03-23. Review status: criteria provided, single submitter. Criteria: ACMG Guidelines, 2015. Collection method: clinical testing. Allele origin: germline.
Comment: This variant is classified as likely benign based on ACMG/AMP sequence variant interpretation guidelines (Richards et al. 2015 PMID: 25741868, with internal and published modifications).

Labcorp Genetics (formerly Invitae), Labcorp
Classification: Likely benign. Last evaluated: 2022-03-19. Review status: criteria provided, single submitter. Criteria: Invitae Variant Classification Sherloc (09022015). Collection method: clinical testing. Allele origin: germline.

NM_006445.4(PRPF8):c.2211T>C (p.Asn737=)

Gene: PRPF8 (pre-mRNA processing factor 8; minus strand). Cytogenetic location: 17p13.3.
Variant type: single nucleotide variant.
Coding change: c.2211T>C on transcript NM_006445.4 (MANE Select); coding-DNA position 2211, T replaced by C.
Protein change: p.Asn737=; no amino-acid change (asparagine 737 retained).
Molecular consequence: synonymous variant.
Genome position (GRCh38, 1-based): chr17:1,676,682, A>G on the plus strand (T>C on the coding strand, the complement: PRPF8 is on the minus strand). VCF-style: chr17-1676682-A-G. GRCh37 (hg19) VCF-style: chr17-1579976-A-G.
Other names: c.2211T>C (NM_006445.3).
Identifiers: ClinVar variation 1160625 (VCV001160625.8), dbSNP rs1246274922, ClinGen allele CA497389829.
Genomic context (GRCh38, chr17:1,676,682, plus strand): 5'-GTTGTAGTGGGCAGTGTTGGTCCACCAGTCAGCCTTGGCCTTCACGTATCGAAGGATCAT[A>G]TTCTCTATGGGCGTCGGCAGCCCAGGGACCTAAAAGTCCAAAAAGCACAATCAAGCCAGG-3'
Protein context (NP_006436.3, residues 727-747): KVPGLPTPIE[Asn737=]MILRYVKAKA